The following is an entry in ClinVar:

ClinVar aggregate classification (germline): Uncertain significance. Review status: criteria provided, multiple submitters, no conflicts (2 of 4 stars). 3 submissions from 3 submitters: Uncertain significance (3). Last evaluated 2025-08-15.

Conditions:
Combined immunodeficiency due to DOCK8 deficiency (HIES2). Also called: Hyper-IgE recurrent infection syndrome, autosomal recessive; HYPER-IgE SYNDROME 2, AUTOSOMAL RECESSIVE, WITH RECURRENT INFECTIONS; HIES autosomal recessive; DOCK8 Deficiency; HYPER-IgE RECURRENT INFECTION SYNDROME 2, AUTOSOMAL RECESSIVE. Identifiers: Orphanet 217390, MedGen C4722305, MONDO:0009478, OMIM 243700.
Inborn genetic diseases. Identifiers: MedGen C0950123, MeSH D030342.

Allele frequency attached by ClinVar (database versions not stated): ExAC 0.00002; gnomAD exomes 0.00002 and 0.00003; TOPMed 0.00003; gnomAD 0.00004 and 0.00005; 1000 Genomes Project 0.00020; 1000 Genomes Project 30x 0.00031.
gnomAD v4.1: 42 of 1,614,092 alleles (0.0026%); highest among the groups gnomAD compares: South Asian, 0.013%; no homozygotes.

Submissions (3):

Labcorp Genetics (formerly Invitae), Labcorp
Classification: Uncertain significance for Combined immunodeficiency due to DOCK8 deficiency. Last evaluated: 2025-08-15. Review status: criteria provided, single submitter. Criteria: Invitae Variant Classification Sherloc (09022015). Collection method: clinical testing. Allele origin: germline.
Comment: This sequence change replaces aspartic acid, which is acidic and polar, with asparagine, which is neutral and polar, at codon 187 of the DOCK8 protein (p.Asp187Asn). This variant is present in population databases (rs111842279, gnomAD 0.006%). This variant has not been reported in the literature in individuals affected with DOCK8-related conditions. ClinVar contains an entry for this variant (Variation ID: 646461). Invitae Evidence Modeling of protein sequence and biophysical properties (such as structural, functional, and spatial information, amino acid conservation, physicochemical variation, residue mobility, and thermodynamic stability) indicates that this missense variant is not expected to disrupt DOCK8 protein function with a negative predictive value of 80%. In summary, the available evidence is currently insufficient to determine the role of this variant in disease. Therefore, it has been classified as a Variant of Uncertain Significance.

GeneDx
Classification: Uncertain significance. Last evaluated: 2022-10-07. Review status: criteria provided, single submitter. Criteria: GeneDx Variant Classification Process June 2021. Collection method: clinical testing. Allele origin: germline. Affected: yes.
Comment: In silico analysis supports that this missense variant does not alter protein structure/function; Has not been previously published as pathogenic or benign to our knowledge

Ambry Genetics
Classification: Uncertain significance for Inborn genetic diseases. Last evaluated: 2021-07-20. Review status: criteria provided, single submitter. Criteria: Ambry Variant Classification Scheme 2023. Collection method: clinical testing. Allele origin: germline.

NM_203447.4(DOCK8):c.559G>A (p.Asp187Asn)

Gene: DOCK8 (dedicator of cytokinesis 8; plus strand). Cytogenetic location: 9p24.3.
Variant type: single nucleotide variant.
Coding change: c.559G>A on transcript NM_203447.4 (MANE Select); coding-DNA position 559, G replaced by A.
Protein change: p.Asp187Asn; replaces aspartic acid 187 with asparagine.
Molecular consequence: missense variant.
Genome position (GRCh38, 1-based): chr9:311,984, G>A. VCF-style: chr9-311984-G-A. GRCh37 (hg19) VCF-style: chr9-311984-G-A.
Other names: c.355G>A, p.Asp119Asn (NM_001190458.2, NM_001193536.2); short protein forms D187N, D119N.
Identifiers: ClinVar variation 646461 (VCV000646461.10), dbSNP rs111842279, ClinGen allele CA4957319.